The following is an entry in ClinVar:

ClinVar aggregate classification (germline): Conflicting classifications of pathogenicity. Review status: criteria provided, conflicting classifications (1 of 4 stars). 11 submissions from 11 submitters: Uncertain significance (10); Likely benign (1). Last evaluated 2025-11-17.

Conditions:
BARD1-related cancer predisposition. Identifiers: MedGen CN377756, MONDO:0700267.
Hereditary cancer-predisposing syndrome. Also called: Tumor predisposition; Hereditary neoplastic syndrome; Hereditary Cancer Syndrome; Neoplastic Syndromes, Hereditary. Identifiers: Orphanet 140162, MedGen C0027672, MeSH D009386, MONDO:0015356.
Familial cancer of breast. Also called: Hereditary breast cancer; hereditary breast carcinoma; BREAST CANCER, FAMILIAL. Identifiers: Orphanet 227535, MedGen C0346153, MONDO:0016419, OMIM 114480. Disease mechanism: loss of function.

Allele frequency attached by ClinVar (database versions not stated): TOPMed 0.00004.
gnomAD v4.1: 28 of 1,613,862 alleles (0.0017%); highest among the groups gnomAD compares: South Asian, 0.0033%; no homozygotes.

Submissions (11):

Labcorp Genetics (formerly Invitae), Labcorp
Classification: Uncertain significance for Familial cancer of breast. Last evaluated: 2025-11-17. Review status: criteria provided, single submitter. Criteria: Invitae Variant Classification Sherloc (09022015). Collection method: clinical testing. Allele origin: germline.
Comment: This sequence change replaces threonine, which is neutral and polar, with isoleucine, which is neutral and non-polar, at codon 598 of the BARD1 protein (p.Thr598Ile). This variant is present in population databases (rs376256852, gnomAD 0.003%). This missense change has been observed in individual(s) with breast cancer (PMID: 17972171, 32854451). ClinVar contains an entry for this variant (Variation ID: 141929). An algorithm developed to predict the effect of missense changes on protein structure and function (PolyPhen-2) suggests that this variant is likely to be tolerated. Experimental studies have shown that this missense change affects BARD1 function (PMID: 30925164). In summary, the available evidence is currently insufficient to determine the role of this variant in disease. Therefore, it has been classified as a Variant of Uncertain Significance.

Quest Diagnostics Nichols Institute San Juan Capistrano
Classification: Uncertain significance. Last evaluated: 2025-04-24. Review status: criteria provided, single submitter. Criteria: Quest Diagnostics criteria. Collection method: clinical testing. Allele origin: unknown.
Comment: The BARD1 c.1793C>T (p.Thr598Ile) variant has been reported in the published literature in individuals with breast cancer (PMIDs: 35402282 (2022), 32854451 (2020), 17972171 (2008)) and pediatric leukemia (PMID: 35902733) (2022)). Notably, in a large scale breast cancer association study, this variant has been observed in a breast cancer case and a reportedly unaffected individual (PMID: 33471991 (2021), see also LOVD). A functional study suggested that this variant shows reduced homology-directed repair activity relative to wild-type BARD1 protein (PMID: 30925164 (2019)). The frequency of this variant in the general population (Genome Aggregation Database) is uninformative in the assessment of its pathogenicity. Analysis of this variant using bioinformatics tools for the prediction of the effect of amino acid changes on protein structure and function yielded conflicting predictions that this variant is deleterious or benign. Based on the available information, we are unable to determine the clinical significance of this variant.

Center for Genomic Medicine, Rigshospitalet, Copenhagen University Hospital
Classification: Uncertain significance. Last evaluated: 2025-03-04. Review status: criteria provided, single submitter. Criteria: ACMG Guidelines, 2015. Collection method: clinical testing. Allele origin: germline.

Color Diagnostics, LLC DBA Color Health
Classification: Uncertain significance for Hereditary cancer-predisposing syndrome. Last evaluated: 2024-12-11. Review status: criteria provided, single submitter. Criteria: ACMG Guidelines, 2015. Collection method: clinical testing. Allele origin: germline.
Comment: This missense variant replaces threonine with isoleucine at codon 598 of the BARD1 protein. Computational prediction tool suggests that this variant may not impact protein structure and function. A functional study has reported the mutant protein to exhibit partially reduced homology-directed DNA repair activity (PMID: 30925164). This variant has been reported in two individuals affected with breast cancer (PMID: 17972171, 32854451). In one of these families, this variant was not detected in other family members affected with breast cancer and colorectal cancer (PMID: 17972171). This variant has been identified in 2/251232 chromosomes in the general population by the Genome Aggregation Database (gnomAD). The available evidence is insufficient to determine the role of this variant in disease conclusively. Therefore, this variant is classified as a Variant of Uncertain Significance.

GeneDx
Classification: Uncertain significance. Last evaluated: 2024-08-13. Review status: criteria provided, single submitter. Criteria: GeneDx Variant Classification Process June 2021. Collection method: clinical testing. Allele origin: germline. Affected: yes.
Comment: Not observed at significant frequency in large population cohorts (gnomAD); In silico analysis supports that this missense variant has a deleterious effect on protein structure/function; Published functional studies are inconclusive: intermediate effect on homology-directed repair activity (PMID: 30925164); This variant is associated with the following publications: (PMID: 23056176, 32854451, 32726901, 17972171, 35650591, 35402282, 35912549, 17550235, 30925164)

Ambry Genetics
Classification: Likely benign for Hereditary cancer-predisposing syndrome. Last evaluated: 2024-07-10. Review status: criteria provided, single submitter. Criteria: Ambry Variant Classification Scheme 2023. Collection method: clinical testing. Allele origin: germline.

Baylor Genetics
Classification: Uncertain significance for Familial cancer of breast. Last evaluated: 2024-03-15. Review status: criteria provided, single submitter. Criteria: ACMG Guidelines, 2015. Collection method: clinical testing. Allele origin: unknown.

Revvity Omics, Revvity
Classification: Uncertain significance. Last evaluated: 2023-09-26. Review status: criteria provided, single submitter. Criteria: ACMG Guidelines, 2015. Collection method: clinical testing. Allele origin: germline.

KCCC/NGS Laboratory, Kuwait Cancer Control Center
Classification: Uncertain significance for Familial cancer of breast. Last evaluated: 2023-07-07. Review status: criteria provided, single submitter. Criteria: ACMG Guidelines, 2015. Collection method: clinical testing. Allele origin: unknown. Affected: yes.
Comment: The p.T598I variant (also known as c.1793C>T), located in coding exon 8 of the BARD1 gene, results from a C to T substitution at nucleotide position 1793. The threonine at codon 598 is replaced by isoleucine, an amino acid with similar properties. This alteration was reported in a family with multiple cases of breast cancer; however, the alteration did not segregate with breast cancer in this family (Gorringe KL et al. Breast Cancer Res. Treat. 2008 Oct;111:505-9). In a homology-directed repair (HDR) assay, this alteration showed HDR activity just below the cutoff for proficiency (Adamovich AI et al. PLoS Genet., 2019 03;15:e1008049). In addition, in silico analysis showed Benign computational verdict based on 11 benign predictions from BayesDel_addAF, DANN, DEOGEN2, EIGEN, FATHMM-MKL and 6 more vs 2 pathogenic predictions from M-CAP and MutationAssessor and the position is not strongly conserved (GERP++ rejected substitutions = 2.18 is less than 5.5). This variant has an entry in ClinVar (141929) with 4 submissions, all of which list this variant as “uncertain significance”. Also, this variant was not found in gnomAD genomes. Therefore, this variant is classified as uncertain significance.

CeGaT Center for Human Genetics Tuebingen
Classification: Uncertain significance. Last evaluated: 2023-07-01. Review status: criteria provided, single submitter. Criteria: CeGaT Center For Human Genetics Tuebingen Variant Classification Criteria Version 2. Collection method: clinical testing. Allele origin: germline. Affected: yes. Observed: 1 variant allele.
Comment: BARD1: PM2, BP4

Department of Pathology and Laboratory Medicine, Sinai Health System
Classification: Uncertain significance for BARD1-related cancer predisposition. Last evaluated: 2023-02-09. Review status: criteria provided, single submitter. Criteria: ACMG Guidelines, 2015. Collection method: clinical testing. Allele origin: germline. Affected: yes.

Literature cited by the submitters: PubMed 17972171 (cited by 5 submitters); PubMed 32854451 (cited by 6 submitters); PubMed 30925164 (cited by 6 submitters); PubMed 33471991 (cited by Quest Diagnostics Nichols Institute San Juan Capistrano); PubMed 29338072 (cited by Quest Diagnostics Nichols Institute San Juan Capistrano); PubMed 35402282 (cited by Quest Diagnostics Nichols Institute San Juan Capistrano); PubMed 35902733 (cited by Quest Diagnostics Nichols Institute San Juan Capistrano); PubMed 35912549 (cited by Quest Diagnostics Nichols Institute San Juan Capistrano).

NM_000465.4(BARD1):c.1793C>T (p.Thr598Ile)

Gene: BARD1 (BRCA1 associated RING domain 1; minus strand). Cytogenetic location: 2q35.
Variant type: single nucleotide variant.
Coding change: c.1793C>T on transcript NM_000465.4 (MANE Select); coding-DNA position 1793, C replaced by T.
Protein change: p.Thr598Ile; replaces threonine 598 with isoleucine.
Molecular consequence: missense variant. On other transcripts: non-coding transcript variant (3), intron variant (1).
Genome position (GRCh38, 1-based): chr2:214,745,739, G>A on the plus strand (C>T on the coding strand, the complement: BARD1 is on the minus strand). VCF-style: chr2-214745739-G-A. GRCh37 (hg19) VCF-style: chr2-215610463-G-A.
Other names: c.1736C>T, p.Thr579Ile (NM_001282543.2); c.440C>T, p.Thr147Ile (NM_001282545.2); c.383C>T, p.Thr128Ile (NM_001282548.2); c.365-15231C>T (NM_001282549.2); short protein forms T598I, T147I, T579I, T128I.
Identifiers: ClinVar variation 141929 (VCV000141929.56), dbSNP rs376256852, ClinGen allele CA166812.